The following is an entry in ClinVar:

NM_052876.4(NACC1):c.1226+4dup

Gene: NACC1 (nucleus accumbens associated 1; plus strand). Cytogenetic location: 19p13.13.
Variant type: Duplication.
Coding change: c.1226+4dup on transcript NM_052876.4 (MANE Select); 4 bases into the intron after coding-DNA position 1226, one base duplicated (A; older notation c.1226+4dupA).
Molecular consequence: intron variant.
Genome position (GRCh38, 1-based): chr19:13,137,380, A duplicated; the last of 2 consecutive A bases (chr19:13,137,379-13,137,380); duplicating either gives the same sequence. VCF-style (leftmost placement, unchanged base first): chr19-13137378-T-TA. GRCh37 (hg19) VCF-style: chr19-13248192-T-TA.
Identifiers: ClinVar variation 2847957 (VCV002847957.3), dbSNP rs2513138110, ClinGen allele CA2739276566.

ClinVar aggregate classification (germline): Uncertain significance (1 of 4 stars; one submission).

Submission:

Labcorp Genetics (formerly Invitae), Labcorp
Classification: Uncertain significance. Last evaluated: 2023-04-03. Review status: criteria provided, single submitter. Criteria: Invitae Variant Classification Sherloc (09022015). Collection method: clinical testing. Allele origin: germline.
Comment: In summary, the available evidence is currently insufficient to determine the role of this variant in disease. Therefore, it has been classified as a Variant of Uncertain Significance. Variants that disrupt the consensus splice site are a relatively common cause of aberrant splicing (PMID: 17576681, 9536098). Algorithms developed to predict the effect of sequence changes on RNA splicing suggest that this variant is not likely to affect RNA splicing. This variant has not been reported in the literature in individuals affected with NACC1-related conditions. This variant is not present in population databases (gnomAD no frequency). This sequence change falls in intron 4 of the NACC1 gene. It does not directly change the encoded amino acid sequence of the NACC1 protein. It affects a nucleotide within the consensus splice site.

Literature cited by the submitters: PubMed 17576681; PubMed 9536098.